The following is an entry in ClinVar:

ClinVar aggregate classification (germline): Likely benign (0 of 4 stars; one submission).

Conditions:
DNAJC13-related disorder. Also called: DNAJC13-related condition.

Allele frequency attached by ClinVar (database versions not stated): gnomAD 0.00001; gnomAD exomes 0.00001; ExAC 0.00004; ESP Exome Variant Server 0.00008.
gnomAD v4.1: 10 of 1,608,688 alleles (0.00062%); highest among the groups gnomAD compares: African/African-American, 0.0094%; no homozygotes.

Submission:

PreventionGenetics, part of Exact Sciences
Classification: Likely benign for DNAJC13-related condition. Last evaluated: 2019-06-18. Review status: no assertion criteria provided. Collection method: clinical testing. Allele origin: germline.
Comment: This variant is classified as likely benign based on ACMG/AMP sequence variant interpretation guidelines (Richards et al. 2015 PMID: 25741868, with internal and published modifications).

NM_015268.4(DNAJC13):c.873A>G (p.Pro291=)

Gene: DNAJC13 (DnaJ heat shock protein family (Hsp40) member C13; plus strand). Cytogenetic location: 3q22.1.
Variant type: single nucleotide variant.
Coding change: c.873A>G on transcript NM_015268.4 (MANE Select); coding-DNA position 873, A replaced by G.
Protein change: p.Pro291=; no amino-acid change (proline 291 retained).
Molecular consequence: synonymous variant.
Genome position (GRCh38, 1-based): chr3:132,454,098, A>G. VCF-style: chr3-132454098-A-G. GRCh37 (hg19) VCF-style: chr3-132172942-A-G.
Other names: c.873A>G, p.Pro291= (NM_001329126.2).
Identifiers: ClinVar variation 3033667 (VCV003033667.2), dbSNP rs372419664, ClinGen allele CA2618554.